The following is an entry in ClinVar:

ClinVar aggregate classification (germline): Uncertain significance (1 of 4 stars; one submission).

Conditions:
ASIC5-related disorder. Also called: ASIC5-related condition.

gnomAD v4.1: 12 of 1,613,296 alleles (0.00074%); highest among the groups gnomAD compares: South Asian, 0.011%; no homozygotes.

Submission:

PreventionGenetics, part of Exact Sciences
Classification: Uncertain significance for ASIC5-related condition. Last evaluated: 2025-12-22. Review status: criteria provided, single submitter. Criteria: ACMG Guidelines, 2015. Collection method: clinical testing. Allele origin: germline.
Comment: The ASIC5 c.539G>A variant is predicted to result in the amino acid substitution p.Ser180Asn. To our knowledge, this variant has not been reported in the literature. This variant is reported in 0.0065% of alleles in individuals of South Asian descent in gnomAD. At this time, the clinical significance of this variant is uncertain due to the absence of conclusive functional and genetic evidence.

NM_017419.3(ASIC5):c.539G>A (p.Ser180Asn)

Gene: ASIC5 (acid sensing ion channel subunit family member 5; minus strand). Cytogenetic location: 4q32.1.
Variant type: single nucleotide variant.
Coding change: c.539G>A on transcript NM_017419.3 (MANE Select); coding-DNA position 539, G replaced by A.
Protein change: p.Ser180Asn; replaces serine 180 with asparagine.
Molecular consequence: missense variant.
Genome position (GRCh38, 1-based): chr4:155,854,123, C>T on the plus strand (G>A on the coding strand, the complement: ASIC5 is on the minus strand). VCF-style: chr4-155854123-C-T. GRCh37 (hg19) VCF-style: chr4-156775275-C-T.
Other names: short protein forms S180N.
Identifiers: ClinVar variation 4986377 (VCV004986377.1).